The following is an entry in ClinVar:

ClinVar aggregate classification (germline): Pathogenic (1 of 4 stars; one submission).

Submission:

Labcorp Genetics (formerly Invitae), Labcorp
Classification: Pathogenic. Last evaluated: 2023-09-04. Review status: criteria provided, single submitter. Criteria: Invitae Variant Classification Sherloc (09022015). Collection method: clinical testing. Allele origin: germline.
Comment: For these reasons, this variant has been classified as Pathogenic. Algorithms developed to predict the effect of sequence changes on RNA splicing suggest that this variant may disrupt the consensus splice site. This variant has not been reported in the literature in individuals affected with ABCB4-related conditions. This variant is not present in population databases (gnomAD no frequency). This sequence change creates a premature translational stop signal (p.Lys699Serfs*8) in the ABCB4 gene. It is expected to result in an absent or disrupted protein product. Loss-of-function variants in ABCB4 are known to be pathogenic (PMID: 17726488, 25755532).

Literature cited by the submitters: PubMed 17726488; PubMed 25755532.

NM_000443.4(ABCB4):c.2090_2093dup (p.Lys699fs)

Gene: ABCB4 (ATP binding cassette subfamily B member 4; minus strand). Cytogenetic location: 7q21.12.
Variant type: Duplication.
Coding change: c.2090_2093dup on transcript NM_000443.4 (MANE Select); coding-DNA positions 2090 to 2093, 4 bases duplicated (TTCT; older notation c.2090_2093dupTTCT).
Protein change: p.Lys699fs; shifts the reading frame from lysine 699.
Molecular consequence: frameshift variant.
Genome position (GRCh38, 1-based): chr7:87,424,024-87,424,027, AGAA duplicated on the plus strand (TTCT on the coding strand, the reverse complement: ABCB4 is on the minus strand); duplicating any 4 consecutive bases within chr7:87,424,024-87,424,029 gives the same sequence; the c. name uses the placement nearest the transcript's 3' end. VCF-style (leftmost placement, unchanged base first): chr7-87424023-C-CAGAA. GRCh37 (hg19) VCF-style: chr7-87053339-C-CAGAA.
Other names: c.2090_2093dup, p.Lys699fs (NM_018849.3, NM_018850.3); short protein forms K699fs.
Identifiers: ClinVar variation 2758037 (VCV002758037.3), dbSNP rs2546790263, ClinGen allele CA2697557363.